The following is an entry in ClinVar:

NM_000256.3(MYBPC3):c.3683G>C (p.Arg1228Pro)

Gene: MYBPC3 (myosin binding protein C3; minus strand). Cytogenetic location: 11p11.2.
Variant type: single nucleotide variant.
Coding change: c.3683G>C on transcript NM_000256.3 (MANE Select); coding-DNA position 3683, G replaced by C.
Protein change: p.Arg1228Pro; replaces arginine 1228 with proline.
Molecular consequence: missense variant.
Genome position (GRCh38, 1-based): chr11:47,332,203, C>G on the plus strand (G>C on the coding strand, the complement: MYBPC3 is on the minus strand). VCF-style: chr11-47332203-C-G. GRCh37 (hg19) VCF-style: chr11-47353754-C-G.
Other names: p.R1228P:CGC>CCC; short protein forms R1228P.
Identifiers: ClinVar variation 181018 (VCV000181018.11), dbSNP rs528940575, ClinGen allele CA014618.

ClinVar aggregate classification (germline): Uncertain significance. Review status: criteria provided, multiple submitters, no conflicts (2 of 4 stars). 5 submissions from 5 submitters: Uncertain significance (5). Last evaluated 2025-10-23.

Conditions:
Cardiovascular phenotype. Identifiers: MedGen CN230736.
Hypertrophic cardiomyopathy. Also called: HYPERTROPHIC MYOCARDIOPATHY. Identifiers: Orphanet 217569, MedGen C0007194, MeSH D002312, MONDO:0005045, HP:0001639.

gnomAD v4.1: 2 of 1,613,850 alleles (0.00012%); highest among the groups gnomAD compares: African/African-American, 0.0013%; no homozygotes.

Submissions (5):

Labcorp Genetics (formerly Invitae), Labcorp
Classification: Uncertain significance for Hypertrophic cardiomyopathy. Last evaluated: 2025-10-23. Review status: criteria provided, single submitter. Criteria: Invitae Variant Classification Sherloc (09022015). Collection method: clinical testing. Allele origin: germline.
Comment: This sequence change replaces arginine, which is basic and polar, with proline, which is neutral and non-polar, at codon 1228 of the MYBPC3 protein (p.Arg1228Pro). This variant is not present in population databases (gnomAD no frequency). This missense change has been observed in individual(s) with dilated cardiomyopathy (PMID: 32746448). ClinVar contains an entry for this variant (Variation ID: 181018). An algorithm developed to predict the effect of missense changes on protein structure and function (PolyPhen-2) suggests that this variant is likely to be disruptive. In summary, the available evidence is currently insufficient to determine the role of this variant in disease. Therefore, it has been classified as a Variant of Uncertain Significance.

All of Us Research Program, National Institutes of Health
Classification: Uncertain significance for Hypertrophic cardiomyopathy. Last evaluated: 2023-11-30. Review status: criteria provided, single submitter. Criteria: ACMG Guidelines, 2015. Collection method: clinical testing. Allele origin: germline. Inheritance: Autosomal dominant inheritance. Observed: 1 variant allele, 1 heterozygote.
Comment: This study involves interpretation of variants in research participants for the purpose of population health screening. Participant phenotype was not available at the time of variant classification. Additional details can be found in publication PMID: 35346344, PMCID: PMC8962531

GeneDx
Classification: Uncertain significance. Last evaluated: 2023-11-29. Review status: criteria provided, single submitter. Criteria: GeneDx Variant Classification Process June 2021. Collection method: clinical testing. Allele origin: germline. Affected: yes.
Comment: Not observed at significant frequency in large population cohorts (gnomAD); In silico analysis supports that this missense variant has a deleterious effect on protein structure/function; This variant is associated with the following publications: (PMID: 32746448)

Ambry Genetics
Classification: Uncertain significance for Cardiovascular phenotype. Last evaluated: 2021-12-15. Review status: criteria provided, single submitter. Criteria: Ambry Variant Classification Scheme 2023. Collection method: clinical testing. Allele origin: germline.
Comment: The p.R1228P variant (also known as c.3683G>C), located in coding exon 33 of the MYBPC3 gene, results from a G to C substitution at nucleotide position 3683. The arginine at codon 1228 is replaced by proline, an amino acid with dissimilar properties. This alteration has been reported in a pediatric cardiomyopathy cohort (Burstein DS et al. Pediatr Res, 2021 05;89:1470-1476). This amino acid position is highly conserved in available vertebrate species. In addition, this alteration is predicted to be deleterious by in silico analysis. Since supporting evidence is limited at this time, the clinical significance of this alteration remains unclear.

Laboratory for Molecular Medicine, Mass General Brigham Personalized Medicine
Classification: Uncertain significance. Last evaluated: 2015-03-23. Review status: criteria provided, single submitter. Criteria: LMM Criteria. Collection method: clinical testing. Allele origin: germline. Observed: 1 variant allele.
Comment: The p.Arg1228Pro variant in MYBPC3 has not been previously reported in individua ls with cardiomyopathy or in large population studies. Arginine (Arg) at positio n 1228 is conserved in mammals but not in evolutionarily distant species. Additi onal computational prediction tools suggest that this variant may impact the pro tein, though this information is not predictive enough to determine pathogenicit y. In summary, the clinical significance of the p.Arg1228Pro variant is uncertai n.

Literature cited by the submitters: PubMed 32746448 (cited by Labcorp Genetics (formerly Invitae), Labcorp and Ambry Genetics).